The following is an entry in ClinVar:

NM_001032382.2(PQBP1):c.642G>A (p.Arg214=)

Gene: PQBP1 (polyglutamine binding protein 1; plus strand). Cytogenetic location: Xp11.23.
Variant type: single nucleotide variant.
Coding change: c.642G>A on transcript NM_001032382.2 (MANE Select); coding-DNA position 642, G replaced by A.
Protein change: p.Arg214=; no amino-acid change (arginine 214 retained).
Molecular consequence: synonymous variant.
Genome position (GRCh38, 1-based): chrX:48,902,928, G>A. VCF-style: chrX-48902928-G-A. GRCh37 (hg19) VCF-style: chrX-48760205-G-A.
Other names: c.642G>A, p.Arg214= (NM_001032381.2, NM_001032383.2, NM_001032384.1 and 1 more transcripts); c.639G>A, p.Arg213= (NM_001167989.2); c.618G>A, p.Arg206= (NM_001167990.2); c.342G>A, p.Arg114= (NM_001167992.1); c.357G>A, p.Arg119= (NM_144495.3).
Identifiers: ClinVar variation 1205338 (VCV001205338.3), dbSNP rs1557041810, ClinGen allele CA516031593.

ClinVar aggregate classification (germline): Uncertain significance (1 of 4 stars; one submission).

Allele frequency attached by ClinVar (database versions not stated): gnomAD exomes below 0.00001 and 0.00001; TOPMed 0.00001.
gnomAD v4.1: 2 of 1,196,639 alleles (0.00017%); highest among the groups gnomAD compares: Admixed American, 0.0045%; no homozygotes.

Submission:

GeneDx
Classification: Uncertain significance. Last evaluated: 2020-12-14. Review status: criteria provided, single submitter. Criteria: GeneDx Variant Classification Process June 2021. Collection method: clinical testing. Allele origin: germline. Affected: yes.
Comment: Has not been previously published as pathogenic or benign to our knowledge; In-silico analysis, which includes splice predictors and evolutionary conservation, is inconclusive as to whether the variant alters gene splicing. In the absence of RNA/functional studies, the actual effect of this sequence change is unknown.